The following is an entry in ClinVar:

NM_001291303.3(FAT4):c.7120C>T (p.Pro2374Ser)

Gene: FAT4 (FAT atypical cadherin 4; plus strand). Cytogenetic location: 4q28.1.
Variant type: single nucleotide variant.
Coding change: c.7120C>T on transcript NM_001291303.3 (MANE Select); coding-DNA position 7120, C replaced by T.
Protein change: p.Pro2374Ser; replaces proline 2374 with serine.
Molecular consequence: missense variant.
Genome position (GRCh38, 1-based): chr4:125,434,346, C>T. VCF-style: chr4-125434346-C-T. GRCh37 (hg19) VCF-style: chr4-126355501-C-T.
Other names: c.7120C>T, p.Pro2374Ser (NM_001291285.3, NM_024582.6); short protein forms P2374S.
Identifiers: ClinVar variation 1514733 (VCV001514733.5), dbSNP rs749817883, ClinGen allele CA3073097.

ClinVar aggregate classification (germline): Uncertain significance (1 of 4 stars; one submission).

Allele frequency attached by ClinVar (database versions not stated): gnomAD 0.00001; gnomAD exomes 0.00001; ExAC 0.00002.
gnomAD v4.1: 6 of 1,613,876 alleles (0.00037%); highest among the groups gnomAD compares: South Asian, 0.0011%; no homozygotes.

Submission:

Labcorp Genetics (formerly Invitae), Labcorp
Classification: Uncertain significance. Last evaluated: 2022-08-12. Review status: criteria provided, single submitter. Criteria: Invitae Variant Classification Sherloc (09022015). Collection method: clinical testing. Allele origin: germline.
Comment: This sequence change replaces proline, which is neutral and non-polar, with serine, which is neutral and polar, at codon 2374 of the FAT4 protein (p.Pro2374Ser). This variant is present in population databases (rs749817883, gnomAD 0.003%). This variant has not been reported in the literature in individuals affected with FAT4-related conditions. ClinVar contains an entry for this variant (Variation ID: 1514733). Advanced modeling of protein sequence and biophysical properties (such as structural, functional, and spatial information, amino acid conservation, physicochemical variation, residue mobility, and thermodynamic stability) performed at Invitae indicates that this missense variant is not expected to disrupt FAT4 protein function. In summary, the available evidence is currently insufficient to determine the role of this variant in disease. Therefore, it has been classified as a Variant of Uncertain Significance.